The following is an entry in ClinVar:

NM_003193.5(TBCE):c.1214dup (p.Asn405fs)

Gene: TBCE (tubulin folding cofactor E; plus strand). Cytogenetic location: 1q42.3.
Variant type: Duplication.
Coding change: c.1214dup on transcript NM_003193.5 (MANE Select); coding-DNA position 1214, one base duplicated (A; older notation c.1214dupA).
Protein change: p.Asn405fs; shifts the reading frame from asparagine 405.
Molecular consequence: frameshift variant.
Genome position (GRCh38, 1-based): chr1:235,438,866, A duplicated; the last of 7 consecutive A bases (chr1:235,438,860-235,438,866); duplicating any one gives the same sequence. VCF-style (leftmost placement, unchanged base first): chr1-235438859-G-GA. GRCh37 (hg19) VCF-style: chr1-235602174-G-GA.
Other names: c.1214dup, p.Asn405fs (NM_001079515.3); c.1367dup, p.Asn456fs (NM_001287801.2); c.875dup, p.Asn292fs (NM_001287802.2); short protein forms N292fs, N405fs, N456fs.
Identifiers: ClinVar variation 3615183 (VCV003615183.3).
Genomic context (GRCh38, chr1:235,438,859, plus strand): 5'-CTTGACTACCGAAAAGCTTTTGGAAATGAGTGGAAACAGGCTGGTGGACATAAGGATCCG[G>GA]AAAAAAACAGACTCAGCGAAGAATTCCTCACAGCCCATCCCAGATACCAGTTCCTCTGCC-3'

ClinVar aggregate classification (germline): Conflicting classifications of pathogenicity. Review status: criteria provided, conflicting classifications (1 of 4 stars). 2 submissions from 2 submitters: Pathogenic (1); Uncertain significance (1). Last evaluated 2024-03-02.

Submissions (2):

Labcorp Genetics (formerly Invitae), Labcorp
Classification: Pathogenic. Last evaluated: 2024-03-02. Review status: criteria provided, single submitter. Criteria: Invitae Variant Classification Sherloc (09022015). Collection method: clinical testing. Allele origin: germline.
Comment: This sequence change creates a premature translational stop signal (p.Asn405Lysfs*25) in the TBCE gene. It is expected to result in an absent or disrupted protein product. Loss-of-function variants in TBCE are known to be pathogenic (PMID: 27666369, 34134906, 34356170). This variant is present in population databases (rs748417931, gnomAD 0.002%). This variant has not been reported in the literature in individuals affected with TBCE-related conditions. For these reasons, this variant has been classified as Pathogenic.

Blueprint Genetics
Classification: Uncertain significance. Last evaluated: 2021-10-19. Review status: criteria provided, single submitter. Criteria: ACMG Guidelines, 2015. Collection method: clinical testing. Allele origin: germline.

Literature cited by the submitters: PubMed 27666369 (cited by Labcorp Genetics (formerly Invitae), Labcorp); PubMed 34134906 (cited by Labcorp Genetics (formerly Invitae), Labcorp); PubMed 34356170 (cited by Labcorp Genetics (formerly Invitae), Labcorp).